The following is an entry in ClinVar:

ClinVar aggregate classification (germline): Pathogenic (1 of 4 stars; one submission).

Conditions:
Hereditary cancer-predisposing syndrome. Also called: Neoplastic Syndromes, Hereditary; Tumor predisposition; Hereditary Cancer Syndrome; Hereditary neoplastic syndrome. Identifiers: Orphanet 140162, MedGen C0027672, MeSH D009386, MONDO:0015356.

Submission:

Ambry Genetics
Classification: Pathogenic for Hereditary cancer-predisposing syndrome. Last evaluated: 2020-01-09. Review status: criteria provided, single submitter. Criteria: Ambry Variant Classification Scheme 2023. Collection method: clinical testing. Allele origin: germline.
Comment: The c.1758_1760delTATinsAA pathogenic mutation, located in coding exon 9 of the BRCA1 gene, results from the deletion of 3 nucleotides and insertion of two nucleotides causing a translational frameshift with a predicted alternate stop codon (p.I587Kfs*5). This alteration is expected to result in loss of function by premature protein truncation or nonsense-mediated mRNA decay. As such, this alteration is interpreted as a disease-causing mutation.

NM_007294.4(BRCA1):c.1758_1760delinsAA (p.Ile587fs)

Gene: BRCA1 (BRCA1 DNA repair associated; minus strand). Cytogenetic location: 17q21.31.
Variant type: Indel.
Coding change: c.1758_1760delinsAA on transcript NM_007294.4 (MANE Select); coding-DNA positions 1758 to 1760, TAT replaced by AA.
Protein change: p.Ile587fs; shifts the reading frame from isoleucine 587.
Molecular consequence: frameshift variant. On other transcripts: intron variant (137).
Genome position (GRCh38, 1-based): chr17:43,093,771-43,093,773, ATA replaced by TT on the plus strand (TAT replaced by AA on the coding strand, the reverse complement: BRCA1 is on the minus strand). VCF-style: chr17-43093771-ATA-TT. GRCh37 (hg19) VCF-style: chr17-41245788-ATA-TT.
Other names: c.1680_1682delinsAA, p.Ile561fs (NM_001407653.1, NM_001407654.1, NM_001407655.1 and 4 more transcripts); c.1677_1679delinsAA, p.Ile560fs (NM_001407659.1, NM_001407660.1, NM_001407661.1 and 1 more transcripts); c.1635_1637delinsAA, p.Ile546fs (NM_001407664.1, NM_001407665.1, NM_001407666.1 and 19 more transcripts); c.1632_1634delinsAA, p.Ile545fs (NM_001407670.1, NM_001407671.1, NM_001407672.1 and 11 more transcripts); c.1758_1760delinsAA, p.Ile587fs (NM_001407684.1, NM_001407854.1, NM_001407858.1 and 30 more transcripts); c.1617_1619delinsAA, p.Ile540fs (NM_001407692.1, NM_001407694.1, NM_001407695.1 and 29 more transcripts); c.1614_1616delinsAA, p.Ile539fs (NM_001407740.1, NM_001407741.1, NM_001407742.1 and 20 more transcripts); c.1545_1547delinsAA, p.Ile516fs (NM_001407853.1, NM_001407894.1, NM_001407895.1 and 9 more transcripts); and 40 more; short protein forms I587fs, I540fs, I291fs, I476fs, I498fs, I539fs, I584fs, I419fs.
Identifiers: ClinVar variation 1779498 (VCV001779498.2), dbSNP rs2552198905, ClinGen allele CA2580094120.